The following is an entry in ClinVar:

ClinVar aggregate classification (germline): Likely benign. Review status: criteria provided, multiple submitters, no conflicts (2 of 4 stars). 3 submissions from 3 submitters: Likely benign (3). Last evaluated 2026-02-17.

Conditions:
IMPG1-related disorder. Also called: IMPG1-related condition.

Allele frequency attached by ClinVar (database versions not stated): ExAC 0.00013; TOPMed 0.00014; gnomAD exomes 0.00015 and 0.00021; gnomAD 0.00017 and 0.00018; ESP Exome Variant Server 0.00031.
gnomAD v4.1: 328 of 1,613,868 alleles (0.02%); highest among the groups gnomAD compares: Non-Finnish European, 0.025%; no homozygotes.

Submissions (3):

PreventionGenetics, part of Exact Sciences
Classification: Likely benign for IMPG1-related condition. Last evaluated: 2026-02-17. Review status: criteria provided, single submitter. Criteria: ACMG Guidelines, 2015. Collection method: clinical testing. Allele origin: germline.
Comment: This variant is classified as likely benign based on ACMG/AMP sequence variant interpretation guidelines (Richards et al. 2015 PMID: 25741868, with internal and published modifications).

Labcorp Genetics (formerly Invitae), Labcorp
Classification: Likely benign. Last evaluated: 2026-01-18. Review status: criteria provided, single submitter. Criteria: Invitae Variant Classification Sherloc (09022015). Collection method: clinical testing. Allele origin: germline.

Blueprint Genetics
Classification: Likely benign. Last evaluated: 2024-09-19. Review status: criteria provided, single submitter. Criteria: ACMG Guidelines, 2015. Collection method: clinical testing. Allele origin: germline.

NM_001563.4(IMPG1):c.1959G>A (p.Val653=)

Gene: IMPG1 (interphotoreceptor matrix proteoglycan 1; minus strand). Cytogenetic location: 6q14.1.
Variant type: single nucleotide variant.
Coding change: c.1959G>A on transcript NM_001563.4 (MANE Select); coding-DNA position 1959, G replaced by A.
Protein change: p.Val653=; no amino-acid change (valine 653 retained).
Molecular consequence: synonymous variant.
Genome position (GRCh38, 1-based): chr6:75,947,399, C>T on the plus strand (G>A on the coding strand, the complement: IMPG1 is on the minus strand). VCF-style: chr6-75947399-C-T. GRCh37 (hg19) VCF-style: chr6-76657116-C-T.
Other names: c.1725G>A, p.Val575= (NM_001282368.2); c.1959G>A (NM_001563.3).
Identifiers: ClinVar variation 1094707 (VCV001094707.11), dbSNP rs148615908, ClinGen allele CA3897994.